The following is an entry in ClinVar:

NM_001134793.2(HYLS1):c.-26+2693C>G

Genes: HYLS1 (HYLS1 centriolar and ciliogenesis associated; plus strand), PUS3 (pseudouridine synthase 3; minus strand). Cytogenetic location: 11q24.2.
Variant type: single nucleotide variant.
Coding change: c.-26+2693C>G on transcript NM_001134793.2 (MANE Select); 2693 bases into the intron after 26 bases upstream of the start codon, C replaced by G.
Molecular consequence: intron variant. On other transcripts: missense variant (2).
Genome position (GRCh38, 1-based): chr11:125,894,165, C>G. VCF-style: chr11-125894165-C-G. GRCh37 (hg19) VCF-style: chr11-125764060-C-G.
Other names: c.442G>C, p.Ala148Pro (NM_001271985.2); c.1066G>C, p.Ala356Pro (NM_031307.4); c.-81+2693C>G (NM_145014.3); c.-23+2693C>G (NM_001424364.1); c.-25-5179C>G (NM_001377269.1); c.-22-5182C>G (NM_001377270.1); short protein forms A148P, A356P.
Identifiers: ClinVar variation 1313527 (VCV001313527.2), dbSNP rs779598027, ClinGen allele CA6350391.

ClinVar aggregate classification (germline): Uncertain significance (1 of 4 stars; one submission).

Allele frequency attached by ClinVar (database versions not stated): gnomAD exomes 0.00001; ExAC 0.00002; gnomAD 0.00002 and 0.00003; TOPMed 0.00002.
gnomAD v4.1: 19 of 1,614,044 alleles (0.0012%); highest among the groups gnomAD compares: Non-Finnish European, 0.0016%; no homozygotes.

Submission:

GeneDx
Classification: Uncertain significance. Last evaluated: 2020-01-28. Review status: criteria provided, single submitter. Criteria: GeneDx Variant Classification Process June 2021. Collection method: clinical testing. Allele origin: germline. Affected: yes.
Comment: Not observed at a significant frequency in large population cohorts (Lek et al., 2016); In silico analysis, which includes protein predictors and evolutionary conservation, supports a deleterious effect; Has not been previously published as pathogenic or benign to our knowledge